The following is an entry in ClinVar:

ClinVar aggregate classification (germline): Uncertain significance. Review status: criteria provided, multiple submitters, no conflicts (2 of 4 stars). 10 submissions from 6 submitters: Uncertain significance (10). Last evaluated 2025-11-09.

Conditions:
Retinitis pigmentosa 12 (RP12). Also called: RP WITH OR WITHOUT PRESERVED PARAARTERIOLE RETINAL PIGMENT EPITHELIUM; RETINITIS PIGMENTOSA WITH OR WITHOUT PARAARTERIOLAR PRESERVATION OF RETINAL PIGMENT EPITHELIUM; RP WITH OR WITHOUT PPRPE. Identifiers: Orphanet 791, MedGen C1838647, MONDO:0010818, OMIM 600105.
Leber congenital amaurosis 8 (LCA8). Identifiers: Orphanet 65, MedGen C3151202, MONDO:0013453, OMIM 613835.
Pigmented paravenous retinochoroidal atrophy. Identifiers: Orphanet 251295, MedGen C1868310, MONDO:0008246, OMIM 172870.
Retinitis pigmentosa (RP). Identifiers: Orphanet 791, MedGen C0035334, MeSH D012174, MONDO:0019200, OMIM 268000. Inheritance: Autosomal dominant, autosomal recessive and X linked inheritance.
CRB1-related disorder. Also called: CRB1-related condition; CRB1-related disorders.

Allele frequency attached by ClinVar (database versions not stated): gnomAD exomes below 0.00001; TOPMed 0.00002; gnomAD 0.00003 and 0.00004.
gnomAD v4.1: 10 of 1,613,868 alleles (0.00062%); highest among the groups gnomAD compares: African/African-American, 0.0067%; no homozygotes.

Submissions (10):

PreventionGenetics, part of Exact Sciences
Classification: Uncertain significance for CRB1-related condition. Last evaluated: 2025-11-09. Review status: criteria provided, single submitter. Criteria: ACMG Guidelines, 2015. Collection method: clinical testing. Allele origin: germline.
Comment: The CRB1 c.3202A>G variant is predicted to result in the amino acid substitution p.Thr1068Ala. To our knowledge, this variant has not been reported in the literature. This variant is reported in 0.011% of alleles in individuals of African descent in gnomAD. At this time, the clinical significance of this variant is uncertain due to the absence of conclusive functional and genetic evidence.

Labcorp Genetics (formerly Invitae), Labcorp
Classification: Uncertain significance for Leber congenital amaurosis 8; Retinitis pigmentosa 12. Last evaluated: 2025-05-05. Review status: criteria provided, single submitter. Criteria: Invitae Variant Classification Sherloc (09022015). Collection method: clinical testing. Allele origin: germline.
Comment: This sequence change replaces threonine, which is neutral and polar, with alanine, which is neutral and non-polar, at codon 1068 of the CRB1 protein (p.Thr1068Ala). This variant is present in population databases (no rsID available, gnomAD 0.01%). This variant has not been reported in the literature in individuals affected with CRB1-related conditions. ClinVar contains an entry for this variant (Variation ID: 294685). An algorithm developed to predict the effect of missense changes on protein structure and function outputs the following: PolyPhen-2: "Benign". The alanine amino acid residue is found in multiple mammalian species, which suggests that this missense change does not adversely affect protein function. In summary, the available evidence is currently insufficient to determine the role of this variant in disease. Therefore, it has been classified as a Variant of Uncertain Significance.

Blueprint Genetics
Classification: Uncertain significance. Last evaluated: 2024-06-24. Review status: criteria provided, single submitter. Criteria: ACMG Guidelines, 2015. Collection method: clinical testing. Allele origin: germline.

Genome-Nilou Lab
Classification: Uncertain significance for Leber congenital amaurosis 8. Last evaluated: 2023-04-11. Review status: criteria provided, single submitter. Criteria: ACMG Guidelines, 2015. Collection method: clinical testing. Allele origin: germline. Affected: no.

Genome-Nilou Lab
Classification: Uncertain significance for Pigmented paravenous retinochoroidal atrophy. Last evaluated: 2023-04-11. Review status: criteria provided, single submitter. Criteria: ACMG Guidelines, 2015. Collection method: clinical testing. Allele origin: germline. Affected: no.

Genome-Nilou Lab
Classification: Uncertain significance for Retinitis pigmentosa 12. Last evaluated: 2023-04-11. Review status: criteria provided, single submitter. Criteria: ACMG Guidelines, 2015. Collection method: clinical testing. Allele origin: germline. Affected: no.

Fulgent Genetics
Classification: Uncertain significance for Pigmented paravenous retinochoroidal atrophy; Retinitis pigmentosa 12; Leber congenital amaurosis 8. Last evaluated: 2021-12-11. Review status: criteria provided, single submitter. Criteria: ACMG Guidelines, 2015. Collection method: clinical testing. Allele origin: unknown.

Illumina Laboratory Services, Illumina
Classification: Uncertain significance for Leber congenital amaurosis 8. Last evaluated: 2018-01-13. Review status: criteria provided, single submitter. Criteria: ICSL Variant Classification Criteria 13 December 2019. Collection method: clinical testing. Allele origin: germline.

Illumina Laboratory Services, Illumina
Classification: Uncertain significance for Pigmented paravenous retinochoroidal atrophy. Last evaluated: 2018-01-13. Review status: criteria provided, single submitter. Criteria: ICSL Variant Classification Criteria 13 December 2019. Collection method: clinical testing. Allele origin: germline.

Illumina Laboratory Services, Illumina
Classification: Uncertain significance for Retinitis pigmentosa. Last evaluated: 2018-01-13. Review status: criteria provided, single submitter. Criteria: ICSL Variant Classification Criteria 13 December 2019. Collection method: clinical testing. Allele origin: germline.

NM_201253.3(CRB1):c.3202A>G (p.Thr1068Ala)

Gene: CRB1 (crumbs cell polarity complex component 1; plus strand). Cytogenetic location: 1q31.3.
Variant type: single nucleotide variant.
Coding change: c.3202A>G on transcript NM_201253.3 (MANE Select); coding-DNA position 3202, A replaced by G.
Protein change: p.Thr1068Ala; replaces threonine 1068 with alanine.
Molecular consequence: missense variant. On other transcripts: non-coding transcript variant (2), intron variant (1).
Genome position (GRCh38, 1-based): chr1:197,435,065, A>G. VCF-style: chr1-197435065-A-G. GRCh37 (hg19) VCF-style: chr1-197404195-A-G.
Other names: c.2866A>G, p.Thr956Ala (NM_001193640.2); c.3130A>G, p.Thr1044Ala (NM_001257965.2); c.2129-535A>G (NM_001257966.2); short protein forms T1068A, T956A, T1044A.
Identifiers: ClinVar variation 294685 (VCV000294685.11), dbSNP rs886045787, ClinGen allele CA10608727.